The following is an entry in ClinVar:

NM_000337.6(SGCD):c.697G>A (p.Glu233Lys)

Gene: SGCD (sarcoglycan delta; plus strand). Cytogenetic location: 5q33.3.
Variant type: single nucleotide variant.
Coding change: c.697G>A on transcript NM_000337.6 (MANE Select); coding-DNA position 697, G replaced by A.
Protein change: p.Glu233Lys; replaces glutamic acid 233 with lysine.
Molecular consequence: missense variant.
Genome position (GRCh38, 1-based): chr5:156,757,702, G>A. VCF-style: chr5-156757702-G-A. GRCh37 (hg19) VCF-style: chr5-156184713-G-A.
Other names: c.694G>A, p.Glu232Lys (NM_001128209.2); c.697G>A, p.Glu233Lys (NM_172244.3); short protein forms E233K, E232K.
Identifiers: ClinVar variation 229250 (VCV000229250.12), dbSNP rs768979513, ClinGen allele CA3530657.

ClinVar aggregate classification (germline): Uncertain significance. Review status: criteria provided, multiple submitters, no conflicts (2 of 4 stars). 5 submissions from 4 submitters: Uncertain significance (4). 1 of the submissions does not count toward it. Last evaluated 2023-02-08.

Conditions:
Autosomal recessive limb-girdle muscular dystrophy type 2F (LGMDR6). Also called: Muscular dystrophy limb-girdle with delta-sarcoglyan deficiency; MUSCULAR DYSTROPHY, LIMB-GIRDLE, AUTOSOMAL RECESSIVE 6. Identifiers: Orphanet 219, MedGen C1832525, MONDO:0011028, OMIM 601287. Disease mechanism: Affects gamma-sarcoglycan and also disrupts the integrity of the entire sarcoglycan complex..
Dilated cardiomyopathy 1L (CMD1L). Identifiers: Orphanet 154, MedGen C1847667, MONDO:0011702, OMIM 606685.

Allele frequency attached by ClinVar (database versions not stated): gnomAD exomes 0.00001 and 0.00003; ExAC 0.00006.
gnomAD v4.1: 19 of 1,603,014 alleles (0.0012%); highest among the groups gnomAD compares: South Asian, 0.018%; no homozygotes.

Submissions (5):

Genome-Nilou Lab
Classification: Uncertain significance for Autosomal recessive limb-girdle muscular dystrophy type 2F. Last evaluated: 2023-02-08. Review status: criteria provided, single submitter. Criteria: ACMG Guidelines, 2015. Collection method: clinical testing. Allele origin: germline.

Genome-Nilou Lab
Classification: Uncertain significance for Dilated cardiomyopathy 1L. Last evaluated: 2023-02-08. Review status: criteria provided, single submitter. Criteria: ACMG Guidelines, 2015. Collection method: clinical testing. Allele origin: germline.

Labcorp Genetics (formerly Invitae), Labcorp
Classification: Uncertain significance for Autosomal recessive limb-girdle muscular dystrophy type 2F. Last evaluated: 2022-05-05. Review status: criteria provided, single submitter. Criteria: Invitae Variant Classification Sherloc (09022015). Collection method: clinical testing. Allele origin: germline.
Comment: This sequence change replaces glutamic acid, which is acidic and polar, with lysine, which is basic and polar, at codon 233 of the SGCD protein (p.Glu233Lys). This variant is present in population databases (rs768979513, gnomAD 0.02%). This variant has not been reported in the literature in individuals affected with SGCD-related conditions. ClinVar contains an entry for this variant (Variation ID: 229250). Algorithms developed to predict the effect of missense changes on protein structure and function (SIFT, PolyPhen-2, Align-GVGD) all suggest that this variant is likely to be tolerated. In summary, the available evidence is currently insufficient to determine the role of this variant in disease. Therefore, it has been classified as a Variant of Uncertain Significance.

Laboratory for Molecular Medicine, Mass General Brigham Personalized Medicine
Classification: Uncertain significance. Last evaluated: 2015-06-11. Review status: criteria provided, single submitter. Criteria: LMM Criteria. Collection method: clinical testing. Allele origin: germline. Observed: 1 variant allele.
Comment: The p.Glu233Lys variant in SGCD has not been previously reported in individuals with cardiomyopathy, but has been identified in 4/10462 South Asian chromosomes by the Exome Aggregation Consortium (ExAC). Comp utational prediction tools and conservation analysis do not provide strong suppo rt for or against an impact to the protein. Of note, in at least one SGCD transc ript (NM_000337.5), this variant is located in the last three bases of an exon, which is part of the 5' splice region. Computational tools do not predict altere d splicing. However, this information is not predictive enough to rule out patho genicity. In summary, the clinical significance of the p.Glu233Lys variant is un certain.

Counsyl
Classification: Uncertain significance for Dilated cardiomyopathy 1L; Autosomal recessive limb-girdle muscular dystrophy type 2F. Last evaluated: 2017-02-01. Review status: no assertion criteria provided. Collection method: clinical testing. Allele origin: unknown. Not counted in ClinVar's aggregate classification.